The following is an entry in ClinVar:

ClinVar aggregate classification (germline): Uncertain significance (1 of 4 stars; one submission).

Conditions:
Trichorhinophalangeal dysplasia type I (TRPS1). Also called: TRICHORHINOPHALANGEAL SYNDROME, TYPE I; TRPS I. Identifiers: Orphanet 77258, MedGen C0432233, MONDO:0008596, OMIM 190350.
Trichorhinophalangeal syndrome, type III (TRPS3). Also called: SUGIO-KAJII SYNDROME. Identifiers: Orphanet 77258, MedGen C1860823, OMIM 190351, MONDO:0008597.

Allele frequency attached by ClinVar (database versions not stated): gnomAD exomes below 0.00001; TOPMed below 0.00001.
gnomAD v4.1: 4 of 1,614,098 alleles (0.00025%); highest among the groups gnomAD compares: Non-Finnish European, 0.00025%; no homozygotes.

Submission:

Labcorp Genetics (formerly Invitae), Labcorp
Classification: Uncertain significance for Trichorhinophalangeal syndrome, type III; Trichorhinophalangeal dysplasia type I. Last evaluated: 2023-12-28. Review status: criteria provided, single submitter. Criteria: Invitae Variant Classification Sherloc (09022015). Collection method: clinical testing. Allele origin: germline.
Comment: This sequence change replaces serine, which is neutral and polar, with arginine, which is basic and polar, at codon 799 of the TRPS1 protein (p.Ser799Arg). This variant is not present in population databases (gnomAD no frequency). This variant has not been reported in the literature in individuals affected with TRPS1-related conditions. Advanced modeling of protein sequence and biophysical properties (such as structural, functional, and spatial information, amino acid conservation, physicochemical variation, residue mobility, and thermodynamic stability) performed at Invitae indicates that this missense variant is not expected to disrupt TRPS1 protein function with a negative predictive value of 80%. In summary, the available evidence is currently insufficient to determine the role of this variant in disease. Therefore, it has been classified as a Variant of Uncertain Significance.

NM_014112.5(TRPS1):c.2397T>A (p.Ser799Arg)

Gene: TRPS1 (transcriptional repressor GATA binding 1; minus strand). Cytogenetic location: 8q23.3.
Variant type: single nucleotide variant.
Coding change: c.2397T>A on transcript NM_014112.5 (MANE Select); coding-DNA position 2397, T replaced by A.
Protein change: p.Ser799Arg; replaces serine 799 with arginine.
Molecular consequence: missense variant.
Genome position (GRCh38, 1-based): chr8:115,587,304, A>T on the plus strand (T>A on the coding strand, the complement: TRPS1 is on the minus strand). VCF-style: chr8-115587304-A-T. GRCh37 (hg19) VCF-style: chr8-116599531-A-T.
Other names: c.2370T>A, p.Ser790Arg (NM_001282902.3); c.2376T>A, p.Ser792Arg (NM_001282903.3); c.2358T>A, p.Ser786Arg (NM_001330599.2); short protein forms S792R, S786R, S799R, S790R.
Identifiers: ClinVar variation 2929569 (VCV002929569.3), dbSNP rs1817585043, ClinGen allele CA372065193.